The following is an entry in ClinVar:

ClinVar aggregate classification (germline): Benign. Review status: criteria provided, single submitter (1 of 4 stars). 2 submissions from 2 submitters: Benign (1). 1 of the submissions does not count toward it. Last evaluated 2023-12-11.

Conditions:
MAST1-related disorder. Also called: MAST1-related condition.

Allele frequency attached by ClinVar (database versions not stated): ExAC 0.00011; ESP Exome Variant Server 0.00031; gnomAD 0.00041; TOPMed 0.00043.
gnomAD v4.1: 109 of 1,614,128 alleles (0.0068%); highest among the groups gnomAD compares: African/African-American, 0.13%; no homozygotes.

Submissions (2):

Labcorp Genetics (formerly Invitae), Labcorp
Classification: Benign. Last evaluated: 2023-12-11. Review status: criteria provided, single submitter. Criteria: Invitae Variant Classification Sherloc (09022015). Collection method: clinical testing. Allele origin: germline.

PreventionGenetics, part of Exact Sciences
Classification: Likely benign for MAST1-related condition. Last evaluated: 2019-09-19. Review status: no assertion criteria provided. Collection method: clinical testing. Allele origin: germline. Not counted in ClinVar's aggregate classification.
Comment: This variant is classified as likely benign based on ACMG/AMP sequence variant interpretation guidelines (Richards et al. 2015 PMID: 25741868, with internal and published modifications).

NM_014975.3(MAST1):c.1569C>T (p.Leu523=)

Gene: MAST1 (microtubule associated serine/threonine kinase 1; plus strand). Cytogenetic location: 19p13.13.
Variant type: single nucleotide variant.
Coding change: c.1569C>T on transcript NM_014975.3 (MANE Select); coding-DNA position 1569, C replaced by T.
Protein change: p.Leu523=; no amino-acid change (leucine 523 retained).
Molecular consequence: synonymous variant.
Genome position (GRCh38, 1-based): chr19:12,865,109, C>T. VCF-style: chr19-12865109-C-T. GRCh37 (hg19) VCF-style: chr19-12975923-C-T.
Other names: c.1569C>T (NM_014975.2).
Identifiers: ClinVar variation 2168952 (VCV002168952.6), dbSNP rs145694649, ClinGen allele CA9232928.